The following is an entry in ClinVar:

NM_199420.4(POLQ):c.1147G>A (p.Glu383Lys)

Gene: POLQ (DNA polymerase theta; minus strand). Cytogenetic location: 3q13.33.
Variant type: single nucleotide variant.
Coding change: c.1147G>A on transcript NM_199420.4 (MANE Select); coding-DNA position 1147, G replaced by A.
Protein change: p.Glu383Lys; replaces glutamic acid 383 with lysine.
Molecular consequence: missense variant.
Genome position (GRCh38, 1-based): chr3:121,522,111, C>T on the plus strand (G>A on the coding strand, the complement: POLQ is on the minus strand). VCF-style: chr3-121522111-C-T. GRCh37 (hg19) VCF-style: chr3-121240958-C-T.
Other names: short protein forms E383K.
Identifiers: ClinVar variation 1732930 (VCV001732930.3), dbSNP rs2546811745, ClinGen allele CA354121952.

ClinVar aggregate classification (germline): Uncertain significance (1 of 4 stars; one submission).

Submission:

Ambry Genetics
Classification: Uncertain significance. Last evaluated: 2024-09-09. Review status: criteria provided, single submitter. Criteria: Ambry Variant Classification Scheme 2023. Collection method: clinical testing. Allele origin: germline.
Comment: The p.E383K variant (also known as c.1147G>A), located in coding exon 8 of the POLQ gene, results from a G to A substitution at nucleotide position 1147. The glutamic acid at codon 383 is replaced by lysine, an amino acid with similar properties. This amino acid position is conserved. In addition, this alteration is predicted to be tolerated by in silico analysis. Since supporting evidence is limited at this time, the clinical significance of this alteration remains unclear.